The following is an entry in ClinVar:

NM_032444.4(SLX4):c.4883C>A (p.Thr1628Asn)

Gene: SLX4 (SLX4 structure-specific endonuclease subunit; minus strand). Cytogenetic location: 16p13.3.
Variant type: single nucleotide variant.
Coding change: c.4883C>A on transcript NM_032444.4 (MANE Select); coding-DNA position 4883, C replaced by A.
Protein change: p.Thr1628Asn; replaces threonine 1628 with asparagine.
Molecular consequence: missense variant.
Genome position (GRCh38, 1-based): chr16:3,583,367, G>T on the plus strand (C>A on the coding strand, the complement: SLX4 is on the minus strand). VCF-style: chr16-3583367-G-T. GRCh37 (hg19) VCF-style: chr16-3633368-G-T.
Other names: c.4883C>A (LRG_503t1); short protein forms T1628N.
Identifiers: ClinVar variation 652842 (VCV000652842.5), dbSNP rs199573277, ClinGen allele CA276952741.

ClinVar aggregate classification (germline): Uncertain significance. Review status: criteria provided, multiple submitters, no conflicts (2 of 4 stars). 2 submissions from 2 submitters: Uncertain significance (2). Last evaluated 2024-04-08.

Conditions:
Fanconi anemia (FA). Also called: Fanconi's anemia. Identifiers: Orphanet 84, MedGen C0015625, MeSH D005199, MONDO:0019391.
Fanconi anemia complementation group P. Also called: SLX4-Related Fanconi Anemia. Identifiers: Orphanet 84, MedGen C3469542, MONDO:0013499, OMIM 613951.

Allele frequency attached by ClinVar (database versions not stated): TOPMed 0.00004.
gnomAD v4.1: 25 of 1,613,154 alleles (0.0015%); highest among the groups gnomAD compares: African/African-American, 0.011%; no homozygotes.

Submissions (2):

Fulgent Genetics
Classification: Uncertain significance for Fanconi anemia complementation group P. Last evaluated: 2024-04-08. Review status: criteria provided, single submitter. Criteria: ACMG Guidelines, 2015. Collection method: clinical testing. Allele origin: germline.

Labcorp Genetics (formerly Invitae), Labcorp
Classification: Uncertain significance for Fanconi anemia. Last evaluated: 2022-12-14. Review status: criteria provided, single submitter. Criteria: Invitae Variant Classification Sherloc (09022015). Collection method: clinical testing. Allele origin: germline.
Comment: This sequence change replaces threonine, which is neutral and polar, with asparagine, which is neutral and polar, at codon 1628 of the SLX4 protein (p.Thr1628Asn). In summary, the available evidence is currently insufficient to determine the role of this variant in disease. Therefore, it has been classified as a Variant of Uncertain Significance. Algorithms developed to predict the effect of missense changes on protein structure and function are either unavailable or do not agree on the potential impact of this missense change (SIFT: "Deleterious"; PolyPhen-2: "Possibly Damaging"; Align-GVGD: "Class C0"). ClinVar contains an entry for this variant (Variation ID: 652842). This variant has not been reported in the literature in individuals affected with SLX4-related conditions. This variant is present in population databases (no rsID available, gnomAD 0.01%).